The following is an entry in ClinVar:

NM_144672.4(OTOA):c.235C>T (p.Arg79Trp)

Gene: OTOA (otoancorin). Cytogenetic location: 16p12.2.
Variant type: single nucleotide variant.
Coding change: c.235C>T on transcript NM_144672.4 (MANE Select); coding-DNA position 235, C replaced by T.
Protein change: p.Arg79Trp; replaces arginine 79 with tryptophan.
Molecular consequence: missense variant.
Genome position (GRCh38, 1-based): chr16:21,681,793, C>T. VCF-style: chr16-21681793-C-T. GRCh37 (hg19) VCF-style: chr16-21693114-C-T.
Other names: short protein forms R79W.
Identifiers: ClinVar variation 4072457 (VCV004072457.2).
Genomic context (GRCh38, chr16:21,681,793, plus strand): 5'-TGAAGCTCCCACGTGTGGACGGATGACCTGTCCCACAGAGTCCTGGCCTATCTGAATTCC[C>T]GGAATGTTGCCTTCACCATCCCCAGCCTGCAGGTGTGTACCTGAGACCCATCTATATGTT-3'
Protein context (NP_653273.3, residues 69-89): SHRVLAYLNS[Arg79Trp]NVAFTIPSLQ

ClinVar aggregate classification (germline): Uncertain significance. Review status: criteria provided, multiple submitters, no conflicts (2 of 4 stars). 2 submissions from 2 submitters: Uncertain significance (2). Last evaluated 2026-08-04.

Conditions:
OTOA-related disorder. Also called: OTOA-related condition.

Submissions (2):

PreventionGenetics, part of Exact Sciences
Classification: Uncertain significance for OTOA-related condition. Last evaluated: 2026-08-04. Review status: criteria provided, single submitter. Criteria: ACMG Guidelines, 2015. Collection method: clinical testing. Allele origin: germline.
Comment: The OTOA c.235C>T variant is predicted to result in the amino acid substitution p.Arg79Trp. This variant was reported in an individual with hearing loss in trans to a full gene deletion (Sugiyama et al. 2019. PubMed ID: 31527525) and was also reported in a cohort of patients with hearing loss without information on a second potentially causative variant (Table S12, Usami et al. 2021. PubMed ID: 34599366). This variant is reported in 0.0040% of alleles in individuals of African descent in gnomAD. Although we suspect that this variant may be pathogenic, at this time, the clinical significance of this variant is uncertain due to the absence of conclusive functional and genetic evidence.

GeneDx
Classification: Uncertain significance. Last evaluated: 2025-01-29. Review status: criteria provided, single submitter. Criteria: GeneDx Variant Classification Process June 2021. Collection method: clinical testing. Allele origin: germline. Affected: yes.
Comment: Not observed at significant frequency in large population cohorts (gnomAD); In silico analysis indicates that this missense variant does not alter protein structure/function; This variant is associated with the following publications: (PMID: 31527525, 34599366)